The following is an entry in ClinVar:

NM_138691.3(TMC1):c.804G>A (p.Trp268Ter)

Gene: TMC1 (transmembrane channel like 1; plus strand). Cytogenetic location: 9q21.13.
Variant type: single nucleotide variant.
Coding change: c.804G>A on transcript NM_138691.3 (MANE Select); coding-DNA position 804, G replaced by A.
Protein change: p.Trp268Ter; replaces tryptophan 268 with a stop codon.
Molecular consequence: nonsense.
Genome position (GRCh38, 1-based): chr9:72,772,475, G>A. VCF-style: chr9-72772475-G-A. GRCh37 (hg19) VCF-style: chr9-75387391-G-A.
Other names: c.804G>A (NM_138691.2); short protein forms W268*.
Identifiers: ClinVar variation 2910227 (VCV002910227.4), dbSNP rs1263141648, ClinGen allele CA373502967.

ClinVar aggregate classification (germline): Pathogenic/Likely pathogenic. Review status: criteria provided, multiple submitters, no conflicts (2 of 4 stars). 2 submissions from 2 submitters: Pathogenic (1); Likely pathogenic (1). Last evaluated 2024-09-26.

Allele frequency attached by ClinVar (database versions not stated): gnomAD 0.00001; TOPMed 0.00001.
gnomAD v4.1: 1 of 1,613,844 alleles (0.000062%); highest among the groups gnomAD compares: African/African-American, 0.0013%; no homozygotes.

Submissions (2):

GeneDx
Classification: Likely pathogenic. Last evaluated: 2024-09-26. Review status: criteria provided, single submitter. Criteria: GeneDx Variant Classification Process June 2021. Collection method: clinical testing. Allele origin: germline. Affected: yes.
Comment: Reported with a second variant (phase unknown) in a patient with non-syndromic hearing loss in published literature (PMID: 29533536); Nonsense variant predicted to result in protein truncation or nonsense mediated decay in a gene for which loss of function is a known mechanism of disease; Not observed at significant frequency in large population cohorts (gnomAD); This variant is associated with the following publications: (PMID: 29533536)

Labcorp Genetics (formerly Invitae), Labcorp
Classification: Pathogenic. Last evaluated: 2022-12-16. Review status: criteria provided, single submitter. Criteria: Invitae Variant Classification Sherloc (09022015). Collection method: clinical testing. Allele origin: germline.
Comment: This premature translational stop signal has been observed in individual(s) with autosomal recessive TMC1-related conditions (PMID: 29533536). For these reasons, this variant has been classified as Pathogenic. This variant is not present in population databases (gnomAD no frequency). This sequence change creates a premature translational stop signal (p.Trp268*) in the TMC1 gene. It is expected to result in an absent or disrupted protein product. Loss-of-function variants in TMC1 are known to be pathogenic (PMID: 11850618, 22105175).

Literature cited by the submitters: PubMed 29533536 (cited by Labcorp Genetics (formerly Invitae), Labcorp); PubMed 11850618 (cited by Labcorp Genetics (formerly Invitae), Labcorp); PubMed 22105175 (cited by Labcorp Genetics (formerly Invitae), Labcorp).